The following is an entry in ClinVar:

NM_001365276.2(TNXB):c.2301_2309del (p.Glu768_Thr770del)

Gene: TNXB (tenascin XB; minus strand). Cytogenetic location: 6p21.33.
Variant type: Deletion.
Coding change: c.2301_2309del on transcript NM_001365276.2 (MANE Select); coding-DNA positions 2301 to 2309, 9 bases deleted (AGAGTGGAC; older notation c.2301_2309delAGAGTGGAC).
Protein change: p.Glu768_Thr770del.
Molecular consequence: inframe deletion.
Genome position (GRCh38, 1-based): chr6:32,095,125-32,095,133, GTCCACTCT deleted on the plus strand (AGAGTGGAC on the coding strand, the reverse complement: TNXB is on the minus strand); deleting any 9 consecutive bases within chr6:32,095,125-32,095,137 gives the same sequence; the c. name uses the placement nearest the transcript's 3' end. VCF-style (leftmost placement, unchanged base first): chr6-32095124-GGTCCACTCT-G. GRCh37 (hg19) VCF-style: chr6-32062901-GGTCCACTCT-G.
Other names: c.2301_2309del, p.Glu768_Thr770del (NM_019105.8).
Identifiers: ClinVar variation 1709155 (VCV001709155.2), dbSNP rs2483745824, ClinGen allele CA2580074310.

ClinVar aggregate classification (germline): Uncertain significance (1 of 4 stars; one submission).

Conditions:
Ehlers-Danlos syndrome due to tenascin-X deficiency (EDSCLL1). Also called: EHLERS-DANLOS SYNDROME, CLASSIC-LIKE; Ehlers-Danlos syndrome, classic-like, 1; TNX DEFICIENCY; TNXB-Related Classical-Like Ehlers-Danlos Syndrome; EDS DUE TO TNX DEFICIENCY. Identifiers: Orphanet 230839, MedGen C1848029, MONDO:0011670, OMIM 606408.

Submission:

MGZ Medical Genetics Center
Classification: Uncertain significance for Ehlers-Danlos syndrome due to tenascin-X deficiency. Last evaluated: 2022-02-15. Review status: criteria provided, single submitter. Criteria: ACMG Guidelines, 2015. Collection method: clinical testing. Allele origin: germline. Affected: yes. Observed: 1 variant allele.
Comment: ACMG criteria applied: PM4, PM2_SUP